The following is an entry in ClinVar:

ClinVar aggregate classification (germline): Uncertain significance (1 of 4 stars; one submission).

Conditions:
Hereditary cancer-predisposing syndrome. Also called: Neoplastic Syndromes, Hereditary; Tumor predisposition; Hereditary neoplastic syndrome; Hereditary Cancer Syndrome. Identifiers: Orphanet 140162, MedGen C0027672, MeSH D009386, MONDO:0015356.

Submission:

Ambry Genetics
Classification: Uncertain significance for Hereditary cancer-predisposing syndrome. Last evaluated: 2026-08-21. Review status: criteria provided, single submitter. Criteria: Ambry Variant Classification Scheme 2023. Collection method: clinical testing. Allele origin: germline.
Comment: The p.S96R variant (also known as c.288T>A), located in coding exon 2 of the SUFU gene, results from a T to A substitution at nucleotide position 288. The serine at codon 96 is replaced by arginine, an amino acid with dissimilar properties. This amino acid position is conserved. In addition, this alteration is predicted to be deleterious by in silico analysis. Based on the available evidence, the clinical significance of this variant remains unclear.

NM_016169.4(SUFU):c.288T>A (p.Ser96Arg)

Gene: SUFU (SUFU negative regulator of hedgehog signaling; plus strand). Cytogenetic location: 10q24.32.
Variant type: single nucleotide variant.
Coding change: c.288T>A on transcript NM_016169.4 (MANE Select); coding-DNA position 288, T replaced by A.
Protein change: p.Ser96Arg; replaces serine 96 with arginine.
Molecular consequence: missense variant.
Genome position (GRCh38, 1-based): chr10:102,509,274, T>A. VCF-style: chr10-102509274-T-A. GRCh37 (hg19) VCF-style: chr10-104269031-T-A.
Other names: c.288T>A, p.Ser96Arg (NM_001178133.2); short protein forms S96R.
Identifiers: ClinVar variation 5030449 (VCV005030449.1).